The following is an entry in ClinVar:

ClinVar aggregate classification (germline): Likely benign. Review status: criteria provided, single submitter (1 of 4 stars). 2 submissions from 2 submitters: Likely benign (1). 1 of the submissions does not count toward it. Last evaluated 2025-11-12.

Conditions:
PPCS-related disorder. Also called: PPCS-related condition.

Allele frequency attached by ClinVar (database versions not stated): TOPMed below 0.00001; gnomAD 0.00001.
gnomAD v4.1: 1 of 1,602,724 alleles (0.000062%); highest among the groups gnomAD compares: African/African-American, 0.0013%; no homozygotes.

Submissions (2):

Labcorp Genetics (formerly Invitae), Labcorp
Classification: Likely benign. Last evaluated: 2025-11-12. Review status: criteria provided, single submitter. Criteria: Invitae Variant Classification Sherloc (09022015). Collection method: clinical testing. Allele origin: germline.

PreventionGenetics, part of Exact Sciences
Classification: Likely benign for PPCS-related condition. Last evaluated: 2020-11-10. Review status: no assertion criteria provided. Collection method: clinical testing. Allele origin: germline. Not counted in ClinVar's aggregate classification.
Comment: This variant is classified as likely benign based on ACMG/AMP sequence variant interpretation guidelines (Richards et al. 2015 PMID: 25741868, with internal and published modifications).

NM_024664.4(PPCS):c.420T>G (p.Ala140=)

Genes: CCDC30 (coiled-coil domain containing 30; plus strand), PPCS (phosphopantothenoylcysteine synthetase; plus strand). Cytogenetic location: 1p34.2.
Variant type: single nucleotide variant.
Coding change: c.420T>G on transcript NM_024664.4 (MANE Select); coding-DNA position 420, T replaced by G.
Protein change: p.Ala140=; no amino-acid change (alanine 140 retained).
Molecular consequence: synonymous variant. On other transcripts: 5 prime UTR variant (1), intron variant (6).
Genome position (GRCh38, 1-based): chr1:42,456,985, T>G. VCF-style: chr1-42456985-T-G. GRCh37 (hg19) VCF-style: chr1-42922656-T-G.
Other names: c.-273T>G (NM_001287510.2); c.420T>G, p.Ala140= (NM_001287511.2); c.-983-262T>G (NM_001355226.2); c.-327-262T>G (NM_001287507.1); c.-11-262T>G (NM_001287506.1, NM_001077447.3, NM_001287509.2); c.-12+261T>G (NM_001287508.2).
Identifiers: ClinVar variation 1587237 (VCV001587237.11), dbSNP rs762093573, ClinGen allele CA417541547.
Genomic context (GRCh38, chr1:42,456,985, plus strand): 5'-CGAGGAGAATGCACTTCCGGGTTTTGCTGAGGCTCTGAGGAGCTACCAGGAGGCTGCGGC[T>G]GCAGGCACCTTCCTGGCAGTAGAGTTCACCACTTTGGCGGACTATTTGCATCTGTTGCAG-3'
Protein context (NP_078940.2, residues 130-150): EALRSYQEAA[Ala140=]AGTFLAVEFT